The following is an entry in ClinVar:

ClinVar aggregate classification (germline): Uncertain significance (1 of 4 stars; one submission).

Conditions:
Pierson syndrome. Also called: MICROCORIA-CONGENITAL NEPHROTIC SYNDROME. Identifiers: Orphanet 2670, MedGen C1836876, MONDO:0012184, OMIM 609049.
LAMB2-related infantile-onset nephrotic syndrome. Also called: Nephrotic Syndrome, type 5; NEPHROTIC SYNDROME, TYPE 5, WITHOUT OCULAR ABNORMALITIES; NEPHROTIC SYNDROME, TYPE 5, WITH OCULAR ABNORMALITIES. Identifiers: Orphanet 306507, MedGen C3280113, MONDO:0013621, OMIM 614199.

Submission:

Labcorp Genetics (formerly Invitae), Labcorp
Classification: Uncertain significance for LAMB2-related infantile-onset nephrotic syndrome; Pierson syndrome. Last evaluated: 2025-10-02. Review status: criteria provided, single submitter. Criteria: Invitae Variant Classification Sherloc (09022015). Collection method: clinical testing. Allele origin: germline.
Comment: This sequence change replaces glutamic acid, which is acidic and polar, with lysine, which is basic and polar, at codon 903 of the LAMB2 protein (p.Glu903Lys). This variant is not present in population databases (gnomAD no frequency). This variant has not been reported in the literature in individuals affected with LAMB2-related conditions. An algorithm developed to predict the effect of missense changes on protein structure and function (PolyPhen-2) suggests that this variant is likely to be tolerated. Algorithms developed to predict the effect of sequence changes on RNA splicing suggest that this variant may disrupt the consensus splice site. In summary, the available evidence is currently insufficient to determine the role of this variant in disease. Therefore, it has been classified as a Variant of Uncertain Significance.

NM_002292.4(LAMB2):c.2707G>A (p.Glu903Lys)

Gene: LAMB2 (laminin subunit beta 2; minus strand). Cytogenetic location: 3p21.31.
Variant type: single nucleotide variant.
Coding change: c.2707G>A on transcript NM_002292.4 (MANE Select); coding-DNA position 2707, G replaced by A.
Protein change: p.Glu903Lys; replaces glutamic acid 903 with lysine.
Molecular consequence: missense variant.
Genome position (GRCh38, 1-based): chr3:49,125,266, C>T on the plus strand (G>A on the coding strand, the complement: LAMB2 is on the minus strand). VCF-style: chr3-49125266-C-T. GRCh37 (hg19) VCF-style: chr3-49162699-C-T.
Other names: short protein forms E903K.
Identifiers: ClinVar variation 4794315 (VCV004794315.1).